The following is an entry in ClinVar:

NM_001372106.1(DNAH10):c.621+9G>A

Gene: DNAH10 (dynein axonemal heavy chain 10; plus strand). Cytogenetic location: 12q24.31.
Variant type: single nucleotide variant.
Coding change: c.621+9G>A on transcript NM_001372106.1 (MANE Select); 9 bases into the intron after coding-DNA position 621, G replaced by A.
Molecular consequence: intron variant.
Genome position (GRCh38, 1-based): chr12:123,774,273, G>A. VCF-style: chr12-123774273-G-A. GRCh37 (hg19) VCF-style: chr12-124258820-G-A.
Other names: c.438+9G>A (NM_207437.3).
Identifiers: ClinVar variation 708810 (VCV000708810.6), dbSNP rs202082455, ClinGen allele CA6862505.
Genomic context (GRCh38, chr12:123,774,273, plus strand): 5'-TGGAATTATAAACGCTAATGTGCTCCATTTTCTGAAGAATATTATATGTCAGGTAAACAT[G>A]GAGAAAGGAAGAAATTCTAGTATTTCTAAAGTTGAGGTCATGTGGTTTGTTTATTCCACA-3'

ClinVar aggregate classification (germline): Benign/Likely benign. Review status: criteria provided, multiple submitters, no conflicts (2 of 4 stars). 4 submissions from 4 submitters: Benign (2); Likely benign (1). 1 of the submissions does not count toward it. Last evaluated 2025-08-18.

Conditions:
DNAH10-related disorder. Also called: DNAH10-related condition.

Allele frequency attached by ClinVar (database versions not stated): gnomAD exomes 0.00059 and 0.00141; ExAC 0.00157; 1000 Genomes Project 0.00280; 1000 Genomes Project 30x 0.00281; ESP Exome Variant Server 0.00437; gnomAD 0.00453 and 0.00497; TOPMed 0.00523.
gnomAD v4.1: 1,564 of 1,557,024 alleles (0.1%); highest among the groups gnomAD compares: African/African-American, 1.5%; 7 homozygotes.

Submissions (4):

Genomic Medicine Center of Excellence, King Faisal Specialist Hospital and Research Centre
Classification: Likely benign. Last evaluated: 2025-08-18. Review status: criteria provided, single submitter. Criteria: ACMG Guidelines, 2015. Collection method: clinical testing. Allele origin: germline.

Labcorp Genetics (formerly Invitae), Labcorp
Classification: Benign. Last evaluated: 2018-05-02. Review status: criteria provided, single submitter. Criteria: Invitae Variant Classification Sherloc (09022015). Collection method: clinical testing. Allele origin: germline.

Breakthrough Genomics
Classification: Benign. Review status: criteria provided, single submitter. Criteria: ACMG Guidelines, 2015. Collection method: not provided. Allele origin: germline. Inheritance: Autosomal recessive inheritance. Affected: yes.

PreventionGenetics, part of Exact Sciences
Classification: Benign for DNAH10-related condition. Last evaluated: 2024-08-17. Review status: no assertion criteria provided. Collection method: clinical testing. Allele origin: germline. Not counted in ClinVar's aggregate classification.
Comment: This variant is classified as benign based on ACMG/AMP sequence variant interpretation guidelines (Richards et al. 2015 PMID: 25741868, with internal and published modifications).